The following is an entry in ClinVar:

ClinVar aggregate classification (germline): Pathogenic/Likely pathogenic. Review status: criteria provided, multiple submitters, no conflicts (2 of 4 stars). 6 submissions from 6 submitters: Pathogenic (4); Likely pathogenic (1). 1 of the submissions does not count toward it. Last evaluated 2026-09-11.

Conditions:
TSC2-related disorder. Also called: TSC2-related condition; TSC2-Related Disorders.
Tuberous sclerosis syndrome (TSC). Also called: Tuberous Sclerosis Complex; Tuberous sclerosis. Identifiers: Orphanet 805, MedGen C0041341, MONDO:0001734.
Tuberous sclerosis 2 (TSC2). Identifiers: Orphanet 805, MedGen C1860707, MONDO:0013199, OMIM 613254.

Submissions (6):

GeneDx
Classification: Pathogenic. Last evaluated: 2026-09-11. Review status: criteria provided, single submitter. Criteria: GeneDx Variant Classification Process June 2021. Collection method: clinical testing. Allele origin: germline.
Comment: Canonical splice site variant predicted to result in a null allele in a gene for which loss of function is a known mechanism of disease; Also known as IVS32+1G>T; Not observed at significant frequency in large population cohorts (gnomAD); This variant is associated with the following publications: (PMID: 25525159, 10205261, 17304050, 40364023, 11112665)

PreventionGenetics, part of Exact Sciences
Classification: Pathogenic for TSC2-related condition. Last evaluated: 2026-04-07. Review status: criteria provided, single submitter. Criteria: ACMG Guidelines, 2015. Collection method: clinical testing. Allele origin: germline.
Comment: The TSC2 c.4005+1G>T variant is predicted to disrupt the GT donor site and interfere with normal splicing. This variant was reported in an individual with Tuberous sclerosis (Dabora et al. 2001. PubMed ID: 11112665). This variant has not been reported in a large population database (gnomAD), indicating this variant is rare. Variants that disrupt the consensus splice donor site in TSC2 are expected to be pathogenic. This variant is interpreted as pathogenic.

Labcorp Genetics (formerly Invitae), Labcorp
Classification: Pathogenic for Tuberous sclerosis 2. Last evaluated: 2022-10-28. Review status: criteria provided, single submitter. Criteria: Invitae Variant Classification Sherloc (09022015). Collection method: clinical testing. Allele origin: germline.
Comment: Algorithms developed to predict the effect of sequence changes on RNA splicing suggest that this variant may disrupt the consensus splice site. For these reasons, this variant has been classified as Pathogenic. ClinVar contains an entry for this variant (Variation ID: 49778). Disruption of this splice site has been observed in individuals with tuberous sclerosis complex (PMID: 11112665; Invitae). This variant is not present in population databases (gnomAD no frequency). This sequence change affects a donor splice site in intron 33 of the TSC2 gene. It is expected to disrupt RNA splicing. Variants that disrupt the donor or acceptor splice site typically lead to a loss of protein function (PMID: 16199547), and loss-of-function variants in TSC2 are known to be pathogenic (PMID: 10205261, 17304050).

Genome-Nilou Lab
Classification: Likely pathogenic for Tuberous sclerosis 2. Last evaluated: 2021-11-07. Review status: criteria provided, single submitter. Criteria: ACMG Guidelines, 2015. Collection method: clinical testing. Allele origin: germline. Affected: no.

CeGaT Center for Human Genetics Tuebingen
Classification: Pathogenic. Last evaluated: 2020-02-01. Review status: criteria provided, single submitter. Criteria: CeGaT Center For Human Genetics Tuebingen Variant Classification Criteria Version 2. Collection method: clinical testing. Allele origin: germline. Affected: yes. Observed: 1 variant allele.

Tuberous sclerosis database (TSC2)
No classification provided. Condition: TSC. Review status: no classification provided. Criteria: Tuberous Sclerosis Database Assertion Criteria 2015. Collection method: curation. Allele origin: germline. Affected: yes. Not counted in ClinVar's aggregate classification.

Literature cited by the submitters: PubMed 11112665 (cited by Labcorp Genetics (formerly Invitae), Labcorp); PubMed 16199547 (cited by Labcorp Genetics (formerly Invitae), Labcorp); PubMed 10205261 (cited by Labcorp Genetics (formerly Invitae), Labcorp); PubMed 17304050 (cited by Labcorp Genetics (formerly Invitae), Labcorp).

NM_000548.5(TSC2):c.4005+1G>T

Gene: TSC2 (TSC complex subunit 2; plus strand). Cytogenetic location: 16p13.3.
Variant type: single nucleotide variant.
Coding change: c.4005+1G>T on transcript NM_000548.5 (MANE Select); the canonical splice donor site of the intron after coding-DNA position 4005, G replaced by T.
Molecular consequence: splice donor variant.
Genome position (GRCh38, 1-based): chr16:2,083,817, G>T. VCF-style: chr16-2083817-G-T. GRCh37 (hg19) VCF-style: chr16-2133818-G-T.
Other names: c.3693+1G>T (NM_001406678.1); c.3336+1G>T (NM_001406682.1, NM_001406683.1); c.3333+1G>T (NM_001406684.1); c.3207+1G>T (NM_001406685.1, NM_001406686.1); c.3273+1G>T (NM_001318831.2); c.3204+1G>T (NM_001406688.1, NM_001406687.1); c.3747+1G>T (NM_001406677.1); c.3789+1G>T (NM_001406675.1); and 27 more.
Identifiers: ClinVar variation 49778 (VCV000049778.53), dbSNP rs45517324, ClinGen allele CA019809.